The following is an entry in ClinVar:

NM_032043.3(BRIP1):c.2251_2254del (p.Glu751fs)

Gene: BRIP1 (BRCA1 interacting DNA helicase 1; minus strand). Cytogenetic location: 17q23.2.
Variant type: Microsatellite.
Coding change: c.2251_2254del on transcript NM_032043.3 (MANE Select); coding-DNA positions 2251 to 2254, 4 bases deleted (GAGA; older notation c.2251_2254delGAGA).
Protein change: p.Glu751fs; shifts the reading frame from glutamic acid 751.
Molecular consequence: frameshift variant.
Genome position (GRCh38, 1-based): chr17:61,744,435-61,744,438, TCTC deleted on the plus strand (GAGA on the coding strand, the reverse complement: BRIP1 is on the minus strand); deleting any 4 consecutive bases within chr17:61,744,435-61,744,440 gives the same sequence; the c. name uses the placement nearest the transcript's 3' end. VCF-style (leftmost placement, unchanged base first): chr17-61744434-TTCTC-T. GRCh37 (hg19) VCF-style: chr17-59821795-TTCTC-T.
Other names: c.2251_2254delGAGA (NM_032043.2); short protein forms E751fs.
Identifiers: ClinVar variation 481638 (VCV000481638.14), dbSNP rs1555591308, ClinGen allele CA658658664.

ClinVar aggregate classification (germline): Pathogenic. Review status: criteria provided, multiple submitters, no conflicts (2 of 4 stars). 4 submissions from 4 submitters: Pathogenic (4). Last evaluated 2025-03-07.

Conditions:
Fanconi anemia complementation group J. Also called: BRIP1-Related Fanconi Anemia. Identifiers: Orphanet 84, MedGen C1836860, MONDO:0012187, OMIM 609054.
Hereditary cancer-predisposing syndrome. Also called: Hereditary neoplastic syndrome; Neoplastic Syndromes, Hereditary; Tumor predisposition; Hereditary Cancer Syndrome. Identifiers: Orphanet 140162, MedGen C0027672, MeSH D009386, MONDO:0015356.
Familial cancer of breast. Also called: BREAST CANCER, FAMILIAL; Hereditary breast cancer; hereditary breast carcinoma. Identifiers: Orphanet 227535, MedGen C0346153, MONDO:0016419, OMIM 114480. Disease mechanism: loss of function.

Submissions (4):

Ambry Genetics
Classification: Pathogenic for Hereditary cancer-predisposing syndrome. Last evaluated: 2025-03-07. Review status: criteria provided, single submitter. Criteria: Ambry Variant Classification Scheme 2023. Collection method: clinical testing. Allele origin: germline.
Comment: The c.2251_2254delGAGA pathogenic mutation, located in coding exon 14 of the BRIP1 gene, results from a deletion of 4 nucleotides at nucleotide positions 2251 to 2254, causing a translational frameshift with a predicted alternate stop codon (p.E751Kfs*7). This variant is considered to be rare based on population cohorts in the Genome Aggregation Database (gnomAD). This alteration is expected to result in loss of function by premature protein truncation or nonsense-mediated mRNA decay. As such, this alteration is interpreted as a disease-causing mutation.

Labcorp Genetics (formerly Invitae), Labcorp
Classification: Pathogenic for Familial cancer of breast; Fanconi anemia complementation group J. Last evaluated: 2024-10-31. Review status: criteria provided, single submitter. Criteria: Invitae Variant Classification Sherloc (09022015). Collection method: clinical testing. Allele origin: germline.
Comment: This sequence change creates a premature translational stop signal (p.Glu751Lysfs*7) in the BRIP1 gene. It is expected to result in an absent or disrupted protein product. Loss-of-function variants in BRIP1 are known to be pathogenic (PMID: 16116423, 17033622, 21964575). This variant is not present in population databases (gnomAD no frequency). This variant has not been reported in the literature in individuals affected with BRIP1-related conditions. ClinVar contains an entry for this variant (Variation ID: 481638). For these reasons, this variant has been classified as Pathogenic.

Myriad Genetics, Inc.
Classification: Pathogenic for Familial cancer of breast. Last evaluated: 2023-06-06. Review status: criteria provided, single submitter. Criteria: Myriad Autosomal Dominant, Autosomal Recessive and X-Linked Classification Criteria (2023). Collection method: clinical testing. Allele origin: unknown.
Comment: This variant is considered pathogenic. This variant creates a frameshift predicted to result in premature protein truncation.

Revvity Omics, Revvity
Classification: Pathogenic for Fanconi anemia complementation group J. Last evaluated: 2019-05-15. Review status: criteria provided, single submitter. Criteria: ACMG Guidelines, 2015. Collection method: clinical testing. Allele origin: germline.

Literature cited by the submitters: PubMed 16116423 (cited by Labcorp Genetics (formerly Invitae), Labcorp); PubMed 17033622 (cited by Labcorp Genetics (formerly Invitae), Labcorp); PubMed 21964575 (cited by Labcorp Genetics (formerly Invitae), Labcorp).